The following is an entry in ClinVar:

ClinVar aggregate classification (germline): Uncertain significance (1 of 4 stars; one submission).

Conditions:
Familial adenomatous polyposis 1 (FAP1). Also called: FAMILIAL ADENOMATOUS POLYPOSIS 1, ATTENUATED; POLYPOSIS, ADENOMATOUS INTESTINAL. Identifiers: MedGen C2713442, MONDO:0021056, OMIM 175100. Disease mechanism: loss of function.

Submission:

Labcorp Genetics (formerly Invitae), Labcorp
Classification: Uncertain significance for Familial adenomatous polyposis 1. Last evaluated: 2024-05-12. Review status: criteria provided, single submitter. Criteria: Invitae Variant Classification Sherloc (09022015). Collection method: clinical testing. Allele origin: germline.
Comment: This sequence change creates a premature translational stop signal (p.Ser2794Argfs*2) in the APC gene. While this is not anticipated to result in nonsense mediated decay, it is expected to disrupt the last 50 amino acid(s) of the APC protein. This variant is not present in population databases (gnomAD no frequency). This variant has not been reported in the literature in individuals affected with APC-related conditions. Experimental studies and prediction algorithms are not available or were not evaluated, and the functional significance of this variant is currently unknown. In summary, the available evidence is currently insufficient to determine the role of this variant in disease. Therefore, it has been classified as a Variant of Uncertain Significance.

NM_000038.6(APC):c.8382_8386del (p.Ser2794fs)

Gene: APC (APC regulator of Wnt signaling pathway; plus strand). Cytogenetic location: 5q22.2.
Variant type: Deletion.
Coding change: c.8382_8386del on transcript NM_000038.6 (MANE Select); coding-DNA positions 8382 to 8386, 5 bases deleted (CGCAG; older notation c.8382_8386delCGCAG).
Protein change: p.Ser2794fs; shifts the reading frame from serine 2794.
Molecular consequence: frameshift variant. On other transcripts: non-coding transcript variant (2).
Genome position (GRCh38, 1-based): chr5:112,843,976-112,843,980, CGCAG deleted; deleting any 5 consecutive bases within chr5:112,843,972-112,843,980 gives the same sequence; the c. name uses the placement nearest the transcript's 3' end. VCF-style (leftmost placement, unchanged base first): chr5-112843971-AGCAGC-A. GRCh37 (hg19) VCF-style: chr5-112179668-AGCAGC-A.
Other names: c.8382_8386del, p.Ser2794fs (NM_001127510.3, NM_001354895.2, NM_001407450.1); c.8328_8332del, p.Ser2776fs (NM_001127511.3); c.8436_8440del, p.Ser2812fs (NM_001354896.2, NM_001407447.1, NM_001407448.1 and 1 more transcripts); c.8412_8416del, p.Ser2804fs (NM_001354897.2); c.8307_8311del, p.Ser2769fs (NM_001354898.2); c.8298_8302del, p.Ser2766fs (NM_001354899.2); c.8259_8263del, p.Ser2753fs (NM_001354900.2); c.8205_8209del, p.Ser2735fs (NM_001354901.2, NM_001407453.1); and 11 more; short protein forms S2410fs, S2511fs, S2634fs, S2668fs, S2693fs, S2812fs, S2703fs, S2753fs.
Identifiers: ClinVar variation 3653065 (VCV003653065.2).